The following is an entry in ClinVar:

NM_000057.4(BLM):c.1087G>C (p.Ala363Pro)

Gene: BLM (BLM RecQ like helicase; plus strand). Cytogenetic location: 15q26.1.
Variant type: single nucleotide variant.
Coding change: c.1087G>C on transcript NM_000057.4 (MANE Select); coding-DNA position 1087, G replaced by C.
Protein change: p.Ala363Pro; replaces alanine 363 with proline.
Molecular consequence: missense variant. On other transcripts: 5 prime UTR variant (1).
Genome position (GRCh38, 1-based): chr15:90,754,938, G>C. VCF-style: chr15-90754938-G-C. GRCh37 (hg19) VCF-style: chr15-91298168-G-C.
Other names: c.1087G>C, p.Ala363Pro (NM_001287246.2, NM_001287247.2); c.-205G>C (NM_001287248.2); short protein forms A363P.
Identifiers: ClinVar variation 2562331 (VCV002562331.3), dbSNP rs200364297, ClinGen allele CA393842267.
Genomic context (GRCh38, chr15:90,754,938, plus strand): 5'-TCAAAACCTGAGAAAATGAGTATGCAGGAGCTGAATCCAGAAACCAGCACAGACTGTGAC[G>C]GTACAAGCAATATTTTAGACATACCATGTATTTCAACTACTTACTTTTGAAAACAACGTA-3'
Protein context (NP_000048.1, residues 353-373): LNPETSTDCD[Ala363Pro]RQISLQQQLI

ClinVar aggregate classification (germline): Uncertain significance (1 of 4 stars; one submission).

Conditions:
Hereditary cancer-predisposing syndrome. Also called: Neoplastic Syndromes, Hereditary; Hereditary Cancer Syndrome; Hereditary neoplastic syndrome; Tumor predisposition. Identifiers: Orphanet 140162, MedGen C0027672, MeSH D009386, MONDO:0015356.

gnomAD v4.1: 1 of 1,613,570 alleles (0.000062%); highest among the groups gnomAD compares: African/African-American, 0.0013%; no homozygotes.

Submission:

Ambry Genetics
Classification: Uncertain significance for Hereditary cancer-predisposing syndrome. Last evaluated: 2024-07-25. Review status: criteria provided, single submitter. Criteria: Ambry Variant Classification Scheme 2023. Collection method: clinical testing. Allele origin: germline.
Comment: The p.A363P variant (also known as c.1087G>C), located in coding exon 4 of the BLM gene, results from a G to C substitution at nucleotide position 1087. The amino acid change results in alanine to proline at codon 363, an amino acid with highly similar properties. However, this change occurs in the last base pair of coding exon 4, which makes it likely to have some effect on normal mRNA splicing. This nucleotide position is highly conserved in available vertebrate species. In silico splice site analysis predicts that this alteration will weaken the native splice donor site. This amino acid position is not well conserved in available vertebrate species. In addition, as a missense substitution this is predicted to be tolerated by in silico analysis. Based on the available evidence, the clinical significance of this variant remains unclear.